The following is an entry in ClinVar:

NM_001365536.1(SCN9A):c.3578G>A (p.Trp1193Ter)

Genes: SCN1A-AS1 (SCN1A and SCN9A antisense RNA 1; plus strand), SCN9A (sodium voltage-gated channel alpha subunit 9; minus strand). Cytogenetic location: 2q24.3.
Variant type: single nucleotide variant.
Coding change: c.3578G>A on transcript NM_001365536.1 (MANE Select); coding-DNA position 3578, G replaced by A.
Protein change: p.Trp1193Ter; replaces tryptophan 1193 with a stop codon.
Molecular consequence: nonsense.
Genome position (GRCh38, 1-based): chr2:166,242,551, C>T on the plus strand (G>A on the coding strand, the complement: SCN9A is on the minus strand). VCF-style: chr2-166242551-C-T. GRCh37 (hg19) VCF-style: chr2-167099061-C-T.
Other names: c.3545G>A, p.Trp1182Ter (NM_002977.4); short protein forms W1182*, W1193*.
Identifiers: ClinVar variation 4852850 (VCV004852850.1).

ClinVar aggregate classification (germline): Likely pathogenic (1 of 4 stars; one submission).

Conditions:
Channelopathy-associated congenital insensitivity to pain, autosomal recessive. Also called: ASYMBOLIA FOR PAIN; CONGENITAL ANALGESIA, AUTOSOMAL RECESSIVE; Insensitivity to pain, channelopathy-associated. Identifiers: Orphanet 88642, Orphanet 970, MedGen C1855739, MONDO:0009459, OMIM 243000.

Submission:

Medical Molecular Genetics, National Research Centre
Classification: Likely pathogenic for Channelopathy-associated congenital insensitivity to pain, autosomal recessive. Last evaluated: 2026-04-28. Review status: criteria provided, single submitter. Criteria: ACMG Guidelines, 2015. Collection method: research. Allele origin: inherited. Affected: yes.
Comment: The p.(Trp1182Ter) variant introduces a premature termination codon at amino acid position 1182. The variant is predicted to result in loss of normal protein function.